The following is an entry in ClinVar:

NM_001256545.2(MEGF10):c.3396C>G (p.Ser1132Arg)

Gene: MEGF10 (multiple EGF like domains 10; plus strand). Cytogenetic location: 5q23.2.
Variant type: single nucleotide variant.
Coding change: c.3396C>G on transcript NM_001256545.2 (MANE Select); coding-DNA position 3396, C replaced by G.
Protein change: p.Ser1132Arg; replaces serine 1132 with arginine.
Molecular consequence: missense variant.
Genome position (GRCh38, 1-based): chr5:127,457,291, C>G. VCF-style: chr5-127457291-C-G. GRCh37 (hg19) VCF-style: chr5-126792983-C-G.
Other names: c.3396C>G, p.Ser1132Arg (NM_032446.3); short protein forms S1132R.
Identifiers: ClinVar variation 1483837 (VCV001483837.8), dbSNP rs762840278, ClinGen allele CA360720118.
Genomic context (GRCh38, chr5:127,457,291, plus strand): 5'-CCTGCTGCCAGTCCGAGACAGTTCATCCTCCCCTAAGCAAGAGGACAGTGGTGGTAGCAG[C>G]AGCAACAGCAGCAGCAGCAGTGAATGACACCAAAGGACCGCTTGGTAGCCACTGGAACCC-3'
Protein context (NP_001243474.1, residues 1122-1140): SPKQEDSGGS[Ser1132Arg]SNSSSSSE

ClinVar aggregate classification (germline): Uncertain significance (1 of 4 stars; one submission).

Conditions:
MEGF10-related myopathy (CMYO10A). Also called: Congenital myopathy 10A, severe variant. Identifiers: Orphanet 439212, MedGen C3280679, MONDO:0013731, OMIM 614399.

Allele frequency attached by ClinVar (database versions not stated): gnomAD exomes below 0.00001; gnomAD 0.00001; TOPMed 0.00001.
gnomAD v4.1: 4 of 1,613,336 alleles (0.00025%); highest among the groups gnomAD compares: Middle Eastern, 0.016%; no homozygotes.

Submission:

Labcorp Genetics (formerly Invitae), Labcorp
Classification: Uncertain significance for MEGF10-related myopathy. Last evaluated: 2025-10-02. Review status: criteria provided, single submitter. Criteria: Invitae Variant Classification Sherloc (09022015). Collection method: clinical testing. Allele origin: germline.
Comment: This sequence change replaces serine, which is neutral and polar, with arginine, which is basic and polar, at codon 1132 of the MEGF10 protein (p.Ser1132Arg). This variant is not present in population databases (gnomAD no frequency). This variant has not been reported in the literature in individuals affected with MEGF10-related conditions. ClinVar contains an entry for this variant (Variation ID: 1483837). Experimental studies and prediction algorithms are not available or were not evaluated, and the functional significance of this variant is currently unknown. In summary, the available evidence is currently insufficient to determine the role of this variant in disease. Therefore, it has been classified as a Variant of Uncertain Significance.